The following is an entry in ClinVar:

ClinVar aggregate classification (germline): Uncertain significance. Review status: criteria provided, multiple submitters, no conflicts (2 of 4 stars). 2 submissions from 2 submitters: Uncertain significance (2). Last evaluated 2025-01-05.

Conditions:
Hereditary cancer-predisposing syndrome. Also called: Hereditary neoplastic syndrome; Neoplastic Syndromes, Hereditary; Tumor predisposition; Hereditary Cancer Syndrome. Identifiers: Orphanet 140162, MedGen C0027672, MeSH D009386, MONDO:0015356.

Submissions (2):

Labcorp Genetics (formerly Invitae), Labcorp
Classification: Uncertain significance. Last evaluated: 2025-01-05. Review status: criteria provided, single submitter. Criteria: Invitae Variant Classification Sherloc (09022015). Collection method: clinical testing. Allele origin: germline.
Comment: This sequence change replaces cysteine, which is neutral and slightly polar, with tyrosine, which is neutral and polar, at codon 300 of the NTHL1 protein (p.Cys300Tyr). This variant is not present in population databases (gnomAD no frequency). This variant has not been reported in the literature in individuals affected with NTHL1-related conditions. ClinVar contains an entry for this variant (Variation ID: 1005183). An algorithm developed to predict the effect of missense changes on protein structure and function (PolyPhen-2) suggests that this variant is likely to be disruptive. In summary, the available evidence is currently insufficient to determine the role of this variant in disease. Therefore, it has been classified as a Variant of Uncertain Significance.

Ambry Genetics
Classification: Uncertain significance for Hereditary cancer-predisposing syndrome. Last evaluated: 2024-09-15. Review status: criteria provided, single submitter. Criteria: Ambry Variant Classification Scheme 2023. Collection method: clinical testing. Allele origin: germline.
Comment: The p.C300Y variant (also known as c.899G>A), located in coding exon 6 of the NTHL1 gene, results from a G to A substitution at nucleotide position 899. The cysteine at codon 300 is replaced by tyrosine, an amino acid with highly dissimilar properties. This amino acid position is conserved. In addition, this alteration is predicted to be deleterious by in silico analysis. Based on the available evidence, the clinical significance of this variant remains unclear.

NM_002528.7(NTHL1):c.875G>A (p.Cys292Tyr)

Gene: NTHL1 (nth like DNA glycosylase 1; minus strand). Cytogenetic location: 16p13.3.
Variant type: single nucleotide variant.
Coding change: c.875G>A on transcript NM_002528.7 (MANE Select); coding-DNA position 875, G replaced by A.
Protein change: p.Cys292Tyr; replaces cysteine 292 with tyrosine.
Molecular consequence: missense variant.
Genome position (GRCh38, 1-based): chr16:2,039,964, C>T on the plus strand (G>A on the coding strand, the complement: NTHL1 is on the minus strand). VCF-style: chr16-2039964-C-T. GRCh37 (hg19) VCF-style: chr16-2089965-C-T.
Other names: c.899G>A (NM_002528.5); c.704G>A, p.Cys235Tyr (NM_001318193.2); c.545G>A, p.Cys182Tyr (NM_001318194.2); short protein forms C182Y, C235Y, C292Y.
Identifiers: ClinVar variation 1005183 (VCV001005183.9), dbSNP rs2084236677, ClinGen allele CA394287129.